The following is an entry in ClinVar:

ClinVar aggregate classification (germline): Likely pathogenic (1 of 4 stars; one submission).

Conditions:
Familial hemophagocytic lymphohistiocytosis 5. Also called: STXBP2-Related Familial Hemophagocytic Lymphohistiocytosis (STXBP2-fHLH). Identifiers: Orphanet 540, MedGen C2751293, MONDO:0013135, OMIM 613101.

Allele frequency attached by ClinVar (database versions not stated): gnomAD exomes below 0.00001; gnomAD 0.00001; TOPMed 0.00002.

Submission:

Labcorp Genetics (formerly Invitae), Labcorp
Classification: Likely pathogenic for Familial hemophagocytic lymphohistiocytosis 5. Last evaluated: 2023-03-27. Review status: criteria provided, single submitter. Criteria: Invitae Variant Classification Sherloc (09022015). Collection method: clinical testing. Allele origin: germline.
Comment: In summary, the currently available evidence indicates that the variant is pathogenic, but additional data are needed to prove that conclusively. Therefore, this variant has been classified as Likely Pathogenic. Algorithms developed to predict the effect of sequence changes on RNA splicing suggest that this variant may disrupt the consensus splice site. This variant has not been reported in the literature in individuals affected with STXBP2-related conditions. The frequency data for this variant in the population databases is considered unreliable, as metrics indicate poor data quality at this position in the gnomAD database. This sequence change affects an acceptor splice site in intron 13 of the STXBP2 gene. It is expected to disrupt RNA splicing. Variants that disrupt the donor or acceptor splice site typically lead to a loss of protein function (PMID: 16199547), and loss-of-function variants in STXBP2 are known to be pathogenic (PMID: 19804848, 22451424).

Literature cited by the submitters: PubMed 16199547; PubMed 19804848; PubMed 22451424.

NM_006949.4(STXBP2):c.1108-1G>A

Gene: STXBP2 (syntaxin binding protein 2; plus strand). Cytogenetic location: 19p13.2.
Variant type: single nucleotide variant.
Coding change: c.1108-1G>A on transcript NM_006949.4 (MANE Select); the canonical splice acceptor site of the intron before coding-DNA position 1108, G replaced by A.
Molecular consequence: splice acceptor variant.
Genome position (GRCh38, 1-based): chr19:7,644,613, G>A. VCF-style: chr19-7644613-G-A. GRCh37 (hg19) VCF-style: chr19-7709499-G-A.
Other names: c.1012-1G>A (NM_001414484.1); c.1141-1G>A (NM_001272034.2); c.1099-1G>A (NM_001127396.3).
Identifiers: ClinVar variation 2833766 (VCV002833766.3), dbSNP rs898350077, ClinGen allele CA304910126.